The following is an entry in ClinVar:

ClinVar aggregate classification (germline): Likely benign. Review status: criteria provided, multiple submitters, no conflicts (2 of 4 stars). 3 submissions from 3 submitters: Likely benign (3). Last evaluated 2026-05-22.

Conditions:
Epidermodysplasia verruciformis. Identifiers: Orphanet 302, MedGen C0014522, MONDO:0009176.
TMC6-related disorder. Also called: TMC6-related condition.

Allele frequency attached by ClinVar (database versions not stated): 1000 Genomes Project 0.00020; ExAC 0.00025; TOPMed 0.00026; gnomAD exomes 0.00029 and 0.00037; 1000 Genomes Project 30x 0.00031; gnomAD 0.00044 and 0.00047.
gnomAD v4.1: 576 of 1,552,170 alleles (0.037%); highest among the groups gnomAD compares: Non-Finnish European, 0.042%; 2 homozygotes.

Submissions (3):

PreventionGenetics, part of Exact Sciences
Classification: Likely benign for TMC6-related condition. Last evaluated: 2026-05-22. Review status: criteria provided, single submitter. Criteria: ACMG Guidelines, 2015. Collection method: clinical testing. Allele origin: germline.
Comment: This variant is classified as likely benign based on ACMG/AMP sequence variant interpretation guidelines (Richards et al. 2015 PMID: 25741868, with internal and published modifications).

Labcorp Genetics (formerly Invitae), Labcorp
Classification: Likely benign for Epidermodysplasia verruciformis. Last evaluated: 2025-12-23. Review status: criteria provided, single submitter. Criteria: Invitae Variant Classification Sherloc (09022015). Collection method: clinical testing. Allele origin: germline.

Blueprint Genetics
Classification: Likely benign. Last evaluated: 2024-11-07. Review status: criteria provided, single submitter. Criteria: ACMG Guidelines, 2015. Collection method: clinical testing. Allele origin: germline.

NM_001127198.5(TMC6):c.2355-9T>C

Gene: TMC6 (transmembrane channel like 6; minus strand). Cytogenetic location: 17q25.3.
Variant type: single nucleotide variant.
Coding change: c.2355-9T>C on transcript NM_001127198.5 (MANE Select); 9 bases into the intron before coding-DNA position 2355, T replaced by C.
Molecular consequence: intron variant.
Genome position (GRCh38, 1-based): chr17:78,113,220, A>G on the plus strand (T>C on the coding strand, the complement: TMC6 is on the minus strand). VCF-style: chr17-78113220-A-G. GRCh37 (hg19) VCF-style: chr17-76109301-A-G.
Other names: c.2175-9T>C (NM_001374594.1, NM_001374593.1); c.2355-9T>C (NM_001374596.1, NM_007267.7, NM_001321185.1 and 2 more transcripts).
Identifiers: ClinVar variation 1143651 (VCV001143651.11), dbSNP rs78046548, ClinGen allele CA8795294.
Genomic context (GRCh38, chr17:78,113,220, plus strand): 5'-TTCATCTGTGAGCAGGGCAGGGGGTGCCGCAGCCTCCTCGGTTGTCCCAACCCTGCCAGA[A>G]AGAGACATCACTGAGGGGACCCCATAAACATCAACATCCCTGCAACCTGGCTGGGCGCAG-3'